The following is an entry in ClinVar:

NM_000037.4(ANK1):c.4695del (p.Asp1565fs)

Gene: ANK1 (ankyrin 1; minus strand). Cytogenetic location: 8p11.21.
Variant type: Deletion.
Coding change: c.4695del on transcript NM_000037.4 (MANE Select); coding-DNA position 4695, one base deleted (C; older notation c.4695delC).
Protein change: p.Asp1565fs; shifts the reading frame from aspartic acid 1565.
Molecular consequence: frameshift variant. On other transcripts: intron variant (1).
Genome position (GRCh38, 1-based): chr8:41,672,755, G deleted on the plus strand (C on the coding strand, the reverse complement: ANK1 is on the minus strand). VCF-style (leftmost placement, unchanged base first): chr8-41672754-TG-T. GRCh37 (hg19) VCF-style: chr8-41530272-TG-T.
Other names: p.Asp1565Glufs*125; c.4818del, p.Asp1606fs (NM_001142446.2); c.4695del, p.Asp1565fs (NM_020475.3, NM_020476.3); c.4538-329del (NM_020477.3); short protein forms D1565fs, D1606fs.
Identifiers: ClinVar variation 3381033 (VCV003381033.1).

ClinVar aggregate classification (germline): Likely pathogenic (1 of 4 stars; one submission).

Submission:

Mayo Clinic Laboratories, Mayo Clinic
Classification: Likely pathogenic. Last evaluated: 2023-07-06. Review status: criteria provided, single submitter. Criteria: ACMG Guidelines, 2015. Collection method: clinical testing. Allele origin: germline. Observed: 1 variant allele.
Comment: PM2_moderate, PVS1